The following is an entry in ClinVar:

NM_000188.3(HK1):c.2069T>C (p.Met690Thr)

Gene: HK1 (hexokinase 1; plus strand). Cytogenetic location: 10q22.1.
Variant type: single nucleotide variant.
Coding change: c.2069T>C on transcript NM_000188.3 (MANE Select); coding-DNA position 2069, T replaced by C.
Protein change: p.Met690Thr; replaces methionine 690 with threonine.
Molecular consequence: missense variant.
Genome position (GRCh38, 1-based): chr10:69,392,158, T>C. VCF-style: chr10-69392158-T-C. GRCh37 (hg19) VCF-style: chr10-71151914-T-C.
Other names: c.2066T>C, p.Met689Thr (NM_033496.3); c.2081T>C, p.Met694Thr (NM_033497.3, NM_033498.3, NM_001322364.2 and 1 more transcripts); c.2033T>C, p.Met678Thr (NM_033500.2); c.2069T>C (NM_000188.2); c.2174T>C, p.Met725Thr (NM_001322365.2); c.1985T>C, p.Met662Thr (NM_001322366.1); c.1973T>C, p.Met658Thr (NM_001322367.1); short protein forms M658T, M678T, M690T, M725T, M662T, M694T, M689T.
Identifiers: ClinVar variation 1906012 (VCV001906012.5), dbSNP rs1335364841, ClinGen allele CA376914592.

ClinVar aggregate classification (germline): Uncertain significance. Review status: criteria provided, multiple submitters, no conflicts (2 of 4 stars). 2 submissions from 2 submitters: Uncertain significance (2). Last evaluated 2026-09-25.

Conditions:
HK1-related disorder. Also called: HK1-related condition; HK1-related disorders.

Allele frequency attached by ClinVar (database versions not stated): gnomAD exomes below 0.00001; gnomAD 0.00001; TOPMed 0.00002.
gnomAD v4.1: 3 of 1,613,984 alleles (0.00019%); highest among the groups gnomAD compares: African/African-American, 0.0013%; no homozygotes.

Submissions (2):

PreventionGenetics, part of Exact Sciences
Classification: Uncertain significance for HK1-related condition. Last evaluated: 2026-09-25. Review status: criteria provided, single submitter. Criteria: ACMG Guidelines, 2015. Collection method: clinical testing. Allele origin: germline.
Comment: The HK1 c.2069T>C variant is predicted to result in the amino acid substitution p.Met690Thr. To our knowledge, this variant has not been reported in the literature. This variant is absent in a large population database (gnomAD), indicating this variant is rare. At this time, the clinical significance of this variant is uncertain due to the absence of conclusive functional and genetic evidence.

Labcorp Genetics (formerly Invitae), Labcorp
Classification: Uncertain significance. Last evaluated: 2024-11-29. Review status: criteria provided, single submitter. Criteria: Invitae Variant Classification Sherloc (09022015). Collection method: clinical testing. Allele origin: germline.
Comment: This sequence change replaces methionine, which is neutral and non-polar, with threonine, which is neutral and polar, at codon 690 of the HK1 protein (p.Met690Thr). This variant is not present in population databases (gnomAD no frequency). This variant has not been reported in the literature in individuals affected with HK1-related conditions. ClinVar contains an entry for this variant (Variation ID: 1906012). Invitae Evidence Modeling of protein sequence and biophysical properties (such as structural, functional, and spatial information, amino acid conservation, physicochemical variation, residue mobility, and thermodynamic stability) has been performed for this missense variant. However, the output from this modeling did not meet the statistical confidence thresholds required to predict the impact of this variant on HK1 protein function. In summary, the available evidence is currently insufficient to determine the role of this variant in disease. Therefore, it has been classified as a Variant of Uncertain Significance.